The following is an entry in ClinVar:

ClinVar aggregate classification (germline): Uncertain significance. Review status: criteria provided, multiple submitters, no conflicts (2 of 4 stars). 2 submissions from 2 submitters: Uncertain significance (2). Last evaluated 2025-04-02.

Conditions:
Cardiovascular phenotype. Identifiers: MedGen CN230736.

Allele frequency attached by ClinVar (database versions not stated): ExAC 0.00001; gnomAD 0.00002; TOPMed 0.00005.
gnomAD v4.1: 21 of 1,612,652 alleles (0.0013%); highest among the groups gnomAD compares: African/African-American, 0.004%; no homozygotes.

Submissions (2):

Ambry Genetics
Classification: Uncertain significance for Cardiovascular phenotype. Last evaluated: 2025-04-02. Review status: criteria provided, single submitter. Criteria: Ambry Variant Classification Scheme 2023. Collection method: clinical testing. Allele origin: germline.
Comment: The p.T370M variant (also known as c.1109C>T), located in coding exon 6 of the SNTA1 gene, results from a C to T substitution at nucleotide position 1109. The threonine at codon 370 is replaced by methionine, an amino acid with similar properties. This amino acid position is conserved. In addition, the in silico prediction for this alteration is inconclusive. Since supporting evidence is limited at this time, the clinical significance of this alteration remains unclear.

GeneDx
Classification: Uncertain significance. Last evaluated: 2012-05-11. Review status: criteria provided, single submitter. Criteria: GeneDx Variant Classification (06012015). Collection method: clinical testing. Allele origin: germline. Affected: yes.
Comment: The Thr370Met variant in the SNTA1 gene has not been published previously as a disease-causing mutation or as a benign polymorphism, to our knowledge. Thr370Met results in a non-conservative amino acid subsitution of a polar Threonine residue with a non-polar Methionine residue at a position that is conserved across species. In silico analysis predicts this change to be damaging to the structure/function of the protein and disease-causing. A mutation affecting a nearby residue (Thr372Met) has been reported in association with Sudden Infant Death Syndrome (SIDS), further supporting the functional importance of this region of the protein. In summary, the clinical significance of the Thr370Met variant in the SNTA1 gene is currently unknown. The pathogenic role of this variant would be supported if it occurred de novo in an individual, or if it co-segregates with a LQTS phenotype in a family. The variant is found in LQT panel(s).

NM_003098.3(SNTA1):c.1109C>T (p.Thr370Met)

Gene: SNTA1 (syntrophin alpha 1; minus strand). Cytogenetic location: 20q11.21.
Variant type: single nucleotide variant.
Coding change: c.1109C>T on transcript NM_003098.3 (MANE Select); coding-DNA position 1109, C replaced by T.
Protein change: p.Thr370Met; replaces threonine 370 with methionine.
Molecular consequence: missense variant.
Genome position (GRCh38, 1-based): chr20:33,410,263, G>A on the plus strand (C>T on the coding strand, the complement: SNTA1 is on the minus strand). VCF-style: chr20-33410263-G-A. GRCh37 (hg19) VCF-style: chr20-31998069-G-A.
Other names: p.T370M:ACG>ATG; short protein forms T370M.
Identifiers: ClinVar variation 190919 (VCV000190919.6), dbSNP rs746227626, ClinGen allele CA302285.